The following is an entry in ClinVar:

NM_003403.5(YY1):c.591C>T (p.Gly197=)

Gene: YY1 (YY1 transcription factor; plus strand). Cytogenetic location: 14q32.2.
Variant type: single nucleotide variant.
Coding change: c.591C>T on transcript NM_003403.5 (MANE Select); coding-DNA position 591, C replaced by T.
Protein change: p.Gly197=; no amino-acid change (glycine 197 retained).
Molecular consequence: synonymous variant.
Genome position (GRCh38, 1-based): chr14:100,239,835, C>T. VCF-style: chr14-100239835-C-T. GRCh37 (hg19) VCF-style: chr14-100706172-C-T.
Identifiers: ClinVar variation 4989656 (VCV004989656.1).

ClinVar aggregate classification (germline): Likely benign (1 of 4 stars; one submission).

Conditions:
YY1-related disorder. Also called: YY1-related condition.

gnomAD v4.1: 102 of 1,485,784 alleles (0.0069%); highest among the groups gnomAD compares: African/African-American, 0.13%; no homozygotes.

Submission:

PreventionGenetics, part of Exact Sciences
Classification: Likely benign for YY1-related condition. Last evaluated: 2026-04-30. Review status: criteria provided, single submitter. Criteria: ACMG Guidelines, 2015. Collection method: clinical testing. Allele origin: germline.
Comment: This variant is classified as likely benign based on ACMG/AMP sequence variant interpretation guidelines (Richards et al. 2015 PMID: 25741868, with internal and published modifications).